The following is an entry in ClinVar:

ClinVar aggregate classification (germline): Uncertain significance (1 of 4 stars; one submission).

Conditions:
Hereditary cancer-predisposing syndrome. Also called: Neoplastic Syndromes, Hereditary; Tumor predisposition; Hereditary Cancer Syndrome; Hereditary neoplastic syndrome. Identifiers: Orphanet 140162, MedGen C0027672, MeSH D009386, MONDO:0015356.

Submission:

Ambry Genetics
Classification: Uncertain significance for Hereditary cancer-predisposing syndrome. Last evaluated: 2024-05-17. Review status: criteria provided, single submitter. Criteria: Ambry Variant Classification Scheme 2023. Collection method: clinical testing. Allele origin: germline.
Comment: The p.N625S variant (also known as c.1874A>G), located in coding exon 11 of the ATM gene, results from an A to G substitution at nucleotide position 1874. The asparagine at codon 625 is replaced by serine, an amino acid with highly similar properties. This amino acid position is not well conserved in available vertebrate species. In addition, this alteration is predicted to be tolerated by in silico analysis. Since supporting evidence is limited at this time, the clinical significance of this alteration remains unclear.

NM_000051.4(ATM):c.1874A>G (p.Asn625Ser)

Gene: ATM (ATM serine/threonine kinase; plus strand). Cytogenetic location: 11q22.3.
Variant type: single nucleotide variant.
Coding change: c.1874A>G on transcript NM_000051.4 (MANE Select); coding-DNA position 1874, A replaced by G.
Protein change: p.Asn625Ser; replaces asparagine 625 with serine.
Molecular consequence: missense variant.
Genome position (GRCh38, 1-based): chr11:108,252,888, A>G. VCF-style: chr11-108252888-A-G. GRCh37 (hg19) VCF-style: chr11-108123615-A-G.
Other names: c.1874A>G, p.Asn625Ser (NM_001351834.2); short protein forms N625S.
Identifiers: ClinVar variation 1781743 (VCV001781743.3), dbSNP rs766757573, ClinGen allele CA382535985.